The following is an entry in ClinVar:

NM_001876.4(CPT1A):c.192C>T (p.Ile64=)

Gene: CPT1A (carnitine palmitoyltransferase 1A; minus strand). Cytogenetic location: 11q13.3.
Variant type: single nucleotide variant.
Coding change: c.192C>T on transcript NM_001876.4 (MANE Select); coding-DNA position 192, C replaced by T.
Protein change: p.Ile64=; no amino-acid change (isoleucine 64 retained).
Molecular consequence: synonymous variant.
Genome position (GRCh38, 1-based): chr11:68,812,526, G>A on the plus strand (C>T on the coding strand, the complement: CPT1A is on the minus strand). VCF-style: chr11-68812526-G-A. GRCh37 (hg19) VCF-style: chr11-68579994-G-A.
Other names: c.192C>T, p.Ile64= (NM_001031847.3).
Identifiers: ClinVar variation 388653 (VCV000388653.11), dbSNP rs142691028, ClinGen allele CA6152751.

ClinVar aggregate classification (germline): Likely benign. Review status: criteria provided, multiple submitters, no conflicts (2 of 4 stars). 2 submissions from 2 submitters: Likely benign (2). Last evaluated 2025-11-18.

Conditions:
Carnitine palmitoyl transferase 1A deficiency. Also called: Carnitine palmitoyltransferase 1A deficiency; CPT deficiency, hepatic, type IA; CPT I DEFICIENCY; CPT DEFICIENCY, HEPATIC, TYPE I; Carnitine palmitoyltransferase type I deficiency. Identifiers: Orphanet 156, MedGen C1829703, MONDO:0009705, OMIM 255120.

Allele frequency attached by ClinVar (database versions not stated): gnomAD 0.00010 and 0.00009; gnomAD exomes 0.00010 and 0.00013; ESP Exome Variant Server 0.00031; ExAC 0.00012; TOPMed 0.00012.
gnomAD v4.1: 199 of 1,614,026 alleles (0.012%); highest among the groups gnomAD compares: Middle Eastern, 0.033%; no homozygotes.

Submissions (2):

Labcorp Genetics (formerly Invitae), Labcorp
Classification: Likely benign for Carnitine palmitoyl transferase 1A deficiency. Last evaluated: 2025-11-18. Review status: criteria provided, single submitter. Criteria: Invitae Variant Classification Sherloc (09022015). Collection method: clinical testing. Allele origin: germline.

GeneDx
Classification: Likely benign. Last evaluated: 2016-08-29. Review status: criteria provided, single submitter. Criteria: GeneDx Variant Classification (06012015). Collection method: clinical testing. Allele origin: germline. Affected: yes.
Comment: This variant is considered likely benign or benign based on one or more of the following criteria: it is a conservative change, it occurs at a poorly conserved position in the protein, it is predicted to be benign by multiple in silico algorithms, and/or has population frequency not consistent with disease.